The following is an entry in ClinVar:

NM_000264.5(PTCH1):c.2691C>T (p.Ile897=)

Gene: PTCH1 (patched 1; minus strand). Cytogenetic location: 9q22.32.
Variant type: single nucleotide variant.
Coding change: c.2691C>T on transcript NM_000264.5 (MANE Select); coding-DNA position 2691, C replaced by T.
Protein change: p.Ile897=; no amino-acid change (isoleucine 897 retained).
Molecular consequence: synonymous variant. On other transcripts: non-coding transcript variant (1).
Genome position (GRCh38, 1-based): chr9:95,461,868, G>A on the plus strand (C>T on the coding strand, the complement: PTCH1 is on the minus strand). VCF-style: chr9-95461868-G-A. GRCh37 (hg19) VCF-style: chr9-98224150-G-A.
Other names: c.2691C>T (NM_000264.4); c.2493C>T, p.Ile831= (NM_001083602.3); c.2688C>T, p.Ile896= (NM_001083603.3); c.2238C>T, p.Ile746= (NM_001083604.3, NM_001083605.3, NM_001083606.3 and 1 more transcripts); c.2535C>T, p.Ile845= (NM_001354918.2).
Identifiers: ClinVar variation 705160 (VCV000705160.17), dbSNP rs1055193050, ClinGen allele CA196579132.
Genomic context (GRCh38, chr9:95,461,868, plus strand): 5'-CGGCCCCGCAGCCCTGGAAGCGCCCTCAGTGCCCAGCAGCTGGAGTACCTGGCTGATGTC[G>A]ATGGGCTTATCGCGGCTGCCGGTTTGCACCAGGAGTTTGTAGGCAAGGACTCCATCGTCT-3'
Protein context (NP_000255.2, residues 887-907): LVQTGSRDKP[Ile897=]DISQLTKQRL

ClinVar aggregate classification (germline): Likely benign. Review status: criteria provided, multiple submitters, no conflicts (2 of 4 stars). 5 submissions from 5 submitters: Likely benign (4). 1 of the submissions does not count toward it. Last evaluated 2025-07-21.

Conditions:
Gorlin syndrome. Also called: Basal cell nevus syndrome; Nevoid Basal Cell Carcinoma Syndrome. Identifiers: Orphanet 377, MedGen C0004779, MONDO:0007187.
Hereditary cancer-predisposing syndrome. Also called: Neoplastic Syndromes, Hereditary; Hereditary neoplastic syndrome; Hereditary Cancer Syndrome; Tumor predisposition. Identifiers: Orphanet 140162, MedGen C0027672, MeSH D009386, MONDO:0015356.
PTCH1-related disorder. Also called: PTCH1-related disorders; PTCH1-related condition.

Allele frequency attached by ClinVar (database versions not stated): gnomAD exomes below 0.00001 and 0.00001.

Submissions (5):

Labcorp Genetics (formerly Invitae), Labcorp
Classification: Likely benign for Gorlin syndrome. Last evaluated: 2025-07-21. Review status: criteria provided, single submitter. Criteria: Invitae Variant Classification Sherloc (09022015). Collection method: clinical testing. Allele origin: germline.

Blueprint Genetics
Classification: Likely benign. Last evaluated: 2024-08-01. Review status: criteria provided, single submitter. Criteria: ACMG Guidelines, 2015. Collection method: clinical testing. Allele origin: germline.

Quest Diagnostics Nichols Institute San Juan Capistrano
Classification: Likely benign. Last evaluated: 2023-06-16. Review status: criteria provided, single submitter. Criteria: Quest Diagnostics criteria. Collection method: clinical testing. Allele origin: unknown.

Ambry Genetics
Classification: Likely benign for Hereditary cancer-predisposing syndrome. Last evaluated: 2020-03-04. Review status: criteria provided, single submitter. Criteria: Ambry Variant Classification Scheme 2023. Collection method: clinical testing. Allele origin: germline.

PreventionGenetics, part of Exact Sciences
Classification: Likely benign for PTCH1-related condition. Last evaluated: 2022-06-27. Review status: no assertion criteria provided. Collection method: clinical testing. Allele origin: germline. Not counted in ClinVar's aggregate classification.
Comment: This variant is classified as likely benign based on ACMG/AMP sequence variant interpretation guidelines (Richards et al. 2015 PMID: 25741868, with internal and published modifications).